The following is an entry in ClinVar:

NM_000836.4(GRIN2D):c.2735C>G (p.Pro912Arg)

Gene: GRIN2D (glutamate ionotropic receptor NMDA type subunit 2D; plus strand). Cytogenetic location: 19q13.33.
Variant type: single nucleotide variant.
Coding change: c.2735C>G on transcript NM_000836.4 (MANE Select); coding-DNA position 2735, C replaced by G.
Protein change: p.Pro912Arg; replaces proline 912 with arginine.
Molecular consequence: missense variant.
Genome position (GRCh38, 1-based): chr19:48,442,661, C>G. VCF-style: chr19-48442661-C-G. GRCh37 (hg19) VCF-style: chr19-48945918-C-G.
Other names: c.2735C>G (NM_000836.2); short protein forms P912R.
Identifiers: ClinVar variation 1502867 (VCV001502867.7), dbSNP rs1405194081, ClinGen allele CA406671345.
Genomic context (GRCh38, chr19:48,442,661, plus strand): 5'-GCATGTACAGCTGCTGCAGCGCTGAGGCCGCCCCACCGCCCGCCAAGCCCCCGCCGCCGC[C>G]ACAGCCCCTGCCCAGCCCCGCGTACCCCGCGCCGCGGCCGGCTCCCGGGCCCGCACCTTT-3'
Protein context (NP_000827.2, residues 902-922): APPPAKPPPP[Pro912Arg]QPLPSPAYPA

ClinVar aggregate classification (germline): Uncertain significance. Review status: criteria provided, multiple submitters, no conflicts (2 of 4 stars). 2 submissions from 2 submitters: Uncertain significance (2). Last evaluated 2025-01-17.

Conditions:
Inborn genetic diseases. Identifiers: MedGen C0950123, MeSH D030342.

Allele frequency attached by ClinVar (database versions not stated): gnomAD 0.00001; TOPMed 0.00001; gnomAD exomes 0.00003 and 0.00004.
gnomAD v4.1: 47 of 1,467,650 alleles (0.0032%); highest among the groups gnomAD compares: Non-Finnish European, 0.0042%; no homozygotes.

Submissions (2):

Ambry Genetics
Classification: Uncertain significance for Inborn genetic diseases. Last evaluated: 2025-01-17. Review status: criteria provided, single submitter. Criteria: Ambry Variant Classification Scheme 2023. Collection method: clinical testing. Allele origin: germline.

Labcorp Genetics (formerly Invitae), Labcorp
Classification: Uncertain significance. Last evaluated: 2023-08-04. Review status: criteria provided, single submitter. Criteria: Invitae Variant Classification Sherloc (09022015). Collection method: clinical testing. Allele origin: germline.
Comment: In summary, the available evidence is currently insufficient to determine the role of this variant in disease. Therefore, it has been classified as a Variant of Uncertain Significance. Advanced modeling of protein sequence and biophysical properties (such as structural, functional, and spatial information, amino acid conservation, physicochemical variation, residue mobility, and thermodynamic stability) performed at Invitae indicates that this missense variant is not expected to disrupt GRIN2D protein function. ClinVar contains an entry for this variant (Variation ID: 1502867). This variant has not been reported in the literature in individuals affected with GRIN2D-related conditions. This variant is present in population databases (no rsID available, gnomAD 0.01%). This sequence change replaces proline, which is neutral and non-polar, with arginine, which is basic and polar, at codon 912 of the GRIN2D protein (p.Pro912Arg).